The following is an entry in ClinVar:

ClinVar aggregate classification (germline): Benign (1 of 4 stars; one submission).

Allele frequency attached by ClinVar (database versions not stated): 1000 Genomes Project 0.00040; 1000 Genomes Project 30x 0.00047; gnomAD 0.00047 and 0.00048; TOPMed 0.00077.
gnomAD v4.1: 703 of 955,414 alleles (0.074%); highest among the groups gnomAD compares: Middle Eastern, 0.11%; 1 homozygote.

Submission:

GeneDx
Classification: Benign. Last evaluated: 2014-09-17. Review status: criteria provided, single submitter. Criteria: GeneDx Variant Classification (06012015). Collection method: clinical testing. Allele origin: germline. Affected: yes.
Comment: This variant is considered likely benign or benign based on one or more of the following criteria: it is a conservative change, it occurs at a poorly conserved position in the protein, it is predicted to be benign by multiple in silico algorithms, and/or has population frequency not consistent with disease.

NM_144573.4(NEXN):c.-52-16T>C

Gene: NEXN (nexilin F-actin binding protein; plus strand). Cytogenetic location: 1p31.1.
Variant type: single nucleotide variant.
Coding change: c.-52-16T>C on transcript NM_144573.4 (MANE Select); 16 bases into the intron before 52 bases upstream of the start codon, T replaced by C.
Molecular consequence: intron variant.
Genome position (GRCh38, 1-based): chr1:77,916,039, T>C. VCF-style: chr1-77916039-T-C. GRCh37 (hg19) VCF-style: chr1-78381724-T-C.
Other names: c.-52-16T>C (NM_001172309.2).
Identifiers: ClinVar variation 201911 (VCV000201911.1), dbSNP rs557864364, ClinGen allele CA335376.